The following is an entry in ClinVar:

ClinVar aggregate classification (germline): Likely benign (1 of 4 stars; one submission).

Submission:

CeGaT Center for Human Genetics Tuebingen
Classification: Likely benign. Last evaluated: 2025-03-01. Review status: criteria provided, single submitter. Criteria: CeGaT Center For Human Genetics Tuebingen Variant Classification Criteria Version 2. Collection method: clinical testing. Allele origin: germline. Affected: yes. Observed: 1 variant allele.
Comment: FOLH1: PM2:Supporting, BP4, BP7

NM_004476.3(FOLH1):c.2244A>G (p.Glu748=)

Gene: FOLH1 (folate hydrolase 1; minus strand). Cytogenetic location: 11p11.12.
Variant type: single nucleotide variant.
Coding change: c.2244A>G on transcript NM_004476.3 (MANE Select); coding-DNA position 2244, A replaced by G.
Protein change: p.Glu748=; no amino-acid change (glutamic acid 748 retained).
Molecular consequence: synonymous variant.
Genome position (GRCh38, 1-based): chr11:49,146,765, T>C on the plus strand (A>G on the coding strand, the complement: FOLH1 is on the minus strand). VCF-style: chr11-49146765-T-C. GRCh37 (hg19) VCF-style: chr11-49168317-T-C.
Other names: c.2151A>G, p.Glu717= (NM_001014986.3); c.2199A>G, p.Glu733= (NM_001193471.3); c.2106A>G, p.Glu702= (NM_001193472.3); c.1320A>G, p.Glu440= (NM_001193473.3); c.1980A>G, p.Glu660= (NM_001351236.2).
Identifiers: ClinVar variation 3777791 (VCV003777791.7).